The following continues an entry in ClinVar:

NM_000363.5(TNNI3):c.434G>A (p.Arg145Gln)

Gene: TNNI3. ClinVar aggregate classification (germline): Pathogenic/Likely pathogenic. Pathogenic (10); Likely pathogenic (8).

Submissions 5 to 8 of 19:

ARUP Laboratories, Molecular Genetics and Genomics, ARUP Laboratories
Classification: Likely pathogenic. Last evaluated: 2025-06-12. Review status: criteria provided, single submitter. Criteria: ARUP Molecular Germline Variant Investigation Process 2024. Collection method: clinical testing. Allele origin: germline.
Comment: The TNNI3 c.434G>A; p.Arg145Gln variant (rs397516349, ClinVar Variation ID: 43384) is reported in the literature in multiple individuals affected with hypertrophic cardiomyopathy (HCM) or restrictive cardiomyopathy (RCM; Berge 2014, Hathaway 2021, Kim 2020, McGurk 2023, Stava 2017, Walsh 2017), sometimes with other variants in TNNI3, TTN, MYBPC3 and MYH7 (Al-Shafai 2021, van den Wijngaard 2011, Wang 2014, Zou 2013). Analyses of HCM cohorts demonstrate incomplete penetrance for variants in sarcomere protein genes, particularly in TNNI3 (Christian 2022, Lorenzini 2020, Topriceanu 2024). In two different families, this variant is reported in both affected and unaffected family members (Mogensen 2004, Robyns 2017), possibly due to male-dominant sexual dimorphism observed in HCM-related genes (Lorenzini 2020). This variant is observed in the general population with an overall allele frequency of 0.002% (4/248984 alleles) in the Genome Aggregation Database (v2.1.1). Other amino acid substitutions at this codon, Arg145Gly and Arg145Trp, have been reported in individuals with HCM (McGurk 2023, van der Wijngaard 2011, Walsh 2017). Computational analyses predict that the p.Arg145Gln variant is deleterious (REVEL: 0.8). Functional analyses demonstrate the variant protein to have reduced inhibitory activity compared to wildtype (Takahashi-Yanaga 2001). Based on available information, the Arg145Gln variant is considered to be likely pathogenic. References: Al-Shafai KN et al. Genetic evaluation of cardiomyopathies in Qatar identifies enrichment of pathogenic sarcomere gene variants and possible founder disease mutations in the Arabs. Mol Genet Genomic Med. 2021 Jul;9(7):e1709. PMID: 34137518. Berge KE et al. Genetics of hypertrophic cardiomyopathy in Norway. Clin Genet. 2014 Oct;86(4):355-60. PMID: 24111713. Christian S et al. Diagnostic validity and clinical utility of genetic testing for hypertrophic cardiomyopathy: a systematic review and meta-analysis. Open Heart. 2022 Apr;9(1):e001815. PMID: 35387861. Hathaway J et al. Diagnostic yield of genetic testing in a heterogeneous cohort of 1376 HCM patients. BMC Cardiovasc Disord. 2021 Mar 5;21(1):126. PMID: 33673806. Kim HY et al. Genotype-Related Clinical Characteristics and Myocardial Fibrosis and their Association with Prognosis in Hypertrophic Cardiomyopathy. J Clin Med. 2020 Jun 1;9(6):1671. PMID: 32492895. Lorenzini M et al. Penetrance of Hypertrophic Cardiomyopathy in Sarcomere Protein Mutation Carriers. J Am Coll Cardiol. 2020 Aug 4;76(5):550-559. PMID: 32731933. McGurk KA et al. The penetrance of rare variants in cardiomyopathy-associated genes: A cross-sectional approach to estimating penetrance for secondary findings. Am J Hum Genet. 2023 Sep 7;110(9):1482-1495. PMID: 37652022. Mogensen J et al. Frequency and clinical expression of cardiac troponin I mutations in 748 consecutive families with hypertrophic cardiomyopathy. J Am Coll Cardiol. 2004 Dec 21;44(12):2315-25. PMID: 15607392. Robyns T et al. Repeat genetic testing with targeted capture sequencing in primary arrhythmia syndrome and cardiomyopathy. Eur J Hum Genet. 2017 Dec;25(12):1313-1323. PMID: 29255176. Stava TT et al. Molecular genetics in 4408 cardiomyopathy probands and 3008 relatives in Norway: 17 years of genetic testing in a national laboratory. Eur J Prev Cardiol. 2022 Oct 18;29(13):1789-1799. PMID: 35653365. Takahashi-Yanaga F et al. Functional consequences of the mutations in human cardiac troponin I gene found in familial hypertrophic cardiomyopathy. J Mol Cell Cardiol. 2001 Dec;33(12):2095-107. PMID: 11735257. Topriceanu CC et al. Meta-Analysis of Penetrance and Systematic Review on Transition to Disease in Genetic Hypertrophic Cardiomyopathy. Circulation. 2024 Jan 9;149(2):107-123. PMID: 37929589. Walsh R et al. Reassessment of Mendelian gene pathogenicity using 7,855 cardiomyopathy cases and 60,706 reference samples. Genet Med. 2017 Feb;19(2):192-203. PMID: 27532257. Wang J et al. Malignant effects of multiple rare variants in sarcomere genes on the prognosis of patients with hypertrophic cardiomyopathy. Eur J Heart Fail. 2014 Sep;16(9):950-7. PMID: 25132132. van den Wijngaard A et al. Recurrent and founder mutations in the Netherlands: cardiac Troponin I (TNNI3) gene mutations as a cause of severe forms of hypertrophic and restrictive cardiomyopathy. Neth Heart J. 2011 Aug;19(7-8):344-51. PMID: 21533915. Zou Y et al. Multiple gene mutations, not the type of mutation, are the modifier of left ventricle hypertrophy in patients with hypertrophic cardiomyopathy. Mol Biol Rep. 2013 Jun;40(6):3969-76. PMID: 23283745.

Victorian Clinical Genetics Services, Murdoch Childrens Research Institute
Classification: Pathogenic for Hypertrophic cardiomyopathy 7. Last evaluated: 2024-12-30. Review status: criteria provided, single submitter. Criteria: ACMG Guidelines, 2015. Collection method: clinical testing. Allele origin: germline. Affected: yes.
Comment: This variant is classified as Pathogenic. Evidence in support of pathogenic classification: Variant is present in gnomAD <0.01 (v2: 4 heterozygotes, 0 homozygotes); This variant has strong previous evidence of pathogenicity in unrelated individuals. This variant has been reported in over ten individuals, the majority of whom are affected with HCM (ClinVar, LOVD,, PMIDs: 29255176, 9241277, 15607392); Missense variant consistently predicted to be damaging by multiple in silico tools or highly conserved with a major amino acid change. Additional information: Variant is predicted to result in a missense amino acid change from arginine to glutamine; This variant is heterozygous; This gene is associated with both recessive and dominant disease. The recessive form of inheritance is the exception and has only been reported in a small number of families (PMIDs: 15070570, 23270746); An alternative amino acid change at the same position has been observed in gnomAD (v3) (3 heterozygotes, 0 homozygotes); No comparable missense variants have previous evidence for pathogenicity. However, two alternative changes with a stronger Grantham change, p.(Arg145Gly) and p.(Arg145Trp), are submitted as pathogenic in ClinVar; Variant is located in the annotated troponin domain (DECIPHER); Gain of function and loss of function are reported mechanisms of disease in this gene. The former is associated with familial restrictive cardiomyopathy 1 (MIM#115210) and hypertrophic cardiomyopathy 7 (MIM#613690), while the latter is associated with dilated cardiomyopathy 1FF (MIM#613286) (PMIDs: 19914256, 21533915); The condition associated with this gene has incomplete penetrance (PMIDs: 15607392, 32731933); Variants in this gene are known to have variable expressivity (PMID: 23270746); Inheritance information for this variant is not currently available in this individual.

Color Diagnostics, LLC DBA Color Health
Classification: Likely pathogenic for Cardiomyopathy. Last evaluated: 2024-10-21. Review status: criteria provided, single submitter. Criteria: ACMG Guidelines, 2015. Collection method: clinical testing. Allele origin: germline.
Comment: This missense variant replaces arginine with glutamine at codon 145 of the TNNI3 protein. This variant is found within a highly conserved region of the actin binding region (aa137-148). Missense variants in this region have been shown to be significantly overrepresented in individuals with affected with hypertrophic cardiomyopathy (PMID: 30696458). Computational prediction suggests that this variant may have deleterious impact on protein structure and function. An experimental functional study has shown that this variant reduces the intrinsic inhibitory activity of the cardiac troponin I protein without changing the apparent affinity for actin and increases the Ca2+ sensitivity of cardiac muscle contraction (PMID: 11735257). This variant has been reported in over 20 individuals affected with hypertrophic cardiomyopathy (PMID: 9241277, 15607392, 23283745, 24111713, 25132132, 27532257, 28193612, 29255176, 32492895, 32686758, 34137518, 35653365, 36291626, 37949661, 38757491). In one family, it has been shown that this variant segregates with disease in three individuals affected with hypertrophic cardiomyopathy (PMID: 29255176). This variant has also been reported in individuals suspected to be affected with hypertrophic cardiomyopathy (PMID: 31737537, 33673806) and in an individual affected with restrictive cardiomyopathy (PMID: 21533915). This variant has been identified in 4/248984 chromosomes in the general population by the Genome Aggregation Database (gnomAD). Different variants affecting the same codon, p.Arg145Trp and p.Arg145Gly, are considered to be disease-causing (ClinVar variation ID: 12426 and 12419), suggesting that arginine at this position is important for TNNI3 protein function. Based on the available evidence, this variant is classified as Likely Pathogenic.

All of Us Research Program, National Institutes of Health
Classification: Likely pathogenic for Hypertrophic cardiomyopathy. Last evaluated: 2024-09-09. Review status: criteria provided, single submitter. Criteria: ACMG Guidelines, 2015. Collection method: clinical testing. Allele origin: germline. Inheritance: Autosomal dominant inheritance. Observed: 5 variant alleles, 5 heterozygotes.
Comment: This missense variant replaces arginine with glutamine at codon 145 in the actin binding region of the TNNI3 protein. Computational prediction suggests that this variant may have a deleterious impact on protein structure and function (internally defined REVEL score threshold >= 0.7, PMID: 27666373). An experimental functional study has shown that this variant reduces the intrinsic inhibitory activity of the cardiac troponin I protein without changing the apparent affinity for actin and increases the Ca2+ sensitivity of cardiac muscle contraction (PMID: 11735257). This variant has been reported in over 15 individuals affected with hypertrophic cardiomyopathy (PMID: 9241277, 15607392, 23283745, 24111713, 25132132, 27532257, 28193612, 29255176, 32492895, 32686758, 34137518). In one family, it has been shown that this variant segregates with disease in three individuals affected with hypertrophic cardiomyopathy (PMID: 29255176). This variant has also been reported in individuals suspected to be affected with hypertrophic cardiomyopathy (PMID: 31737537, 33673806) and in an individual affected with restrictive cardiomyopathy (PMID: 21533915). This variant has been identified in 4/248984 chromosomes in the general population by the Genome Aggregation Database (gnomAD). Different variants affecting the same codon, p.Arg145Trp and p.Arg145Gly, are considered to be disease-causing (ClinVar variation ID: 12426 and 12419), suggesting that arginine at this position is important for TNNI3 protein function. Based on the available evidence, this variant is classified as Likely Pathogenic.

This study involves interpretation of variants in research participants for the purpose of population health screening. Participant phenotype was not available at the time of variant classification. Additional details can be found in publication PMID: 35346344, PMCID: PMC8962531